The following is an entry in ClinVar:

NM_018136.5(ASPM):c.203A>G (p.Asp68Gly)

Genes: ASPM (assembly factor for spindle microtubules; minus strand), LOC129932155 (ATAC-STARR-seq lymphoblastoid silent region 1659; plus strand). Cytogenetic location: 1q31.3.
Variant type: single nucleotide variant.
Coding change: c.203A>G on transcript NM_018136.5 (MANE Select); coding-DNA position 203, A replaced by G.
Protein change: p.Asp68Gly; replaces aspartic acid 68 with glycine.
Molecular consequence: missense variant.
Genome position (GRCh38, 1-based): chr1:197,146,235, T>C on the plus strand (A>G on the coding strand, the complement: ASPM is on the minus strand). VCF-style: chr1-197146235-T-C. GRCh37 (hg19) VCF-style: chr1-197115365-T-C.
Other names: c.203A>G, p.Asp68Gly (NM_001206846.2); c.203A>G (NM_018136.4); short protein forms D68G.
Identifiers: ClinVar variation 1501171 (VCV001501171.9), dbSNP rs1478638519, ClinGen allele CA344022022.

ClinVar aggregate classification (germline): Uncertain significance. Review status: criteria provided, multiple submitters, no conflicts (2 of 4 stars). 2 submissions from 2 submitters: Uncertain significance (2). Last evaluated 2025-08-26.

Conditions:
Inborn genetic diseases. Identifiers: MedGen C0950123, MeSH D030342.

Allele frequency attached by ClinVar (database versions not stated): gnomAD exomes below 0.00001 and 0.00001; TOPMed 0.00001.
gnomAD v4.1: 16 of 1,613,898 alleles (0.00099%); highest among the groups gnomAD compares: Non-Finnish European, 0.0014%; no homozygotes.

Submissions (2):

Ambry Genetics
Classification: Uncertain significance for Inborn genetic diseases. Last evaluated: 2025-08-26. Review status: criteria provided, single submitter. Criteria: Ambry Variant Classification Scheme 2023. Collection method: clinical testing. Allele origin: germline.

Labcorp Genetics (formerly Invitae), Labcorp
Classification: Uncertain significance. Last evaluated: 2021-05-09. Review status: criteria provided, single submitter. Criteria: Invitae Variant Classification Sherloc (09022015). Collection method: clinical testing. Allele origin: germline.
Comment: This sequence change replaces aspartic acid with glycine at codon 68 of the ASPM protein (p.Asp68Gly). The aspartic acid residue is weakly conserved and there is a moderate physicochemical difference between aspartic acid and glycine. This variant is not present in population databases (ExAC no frequency). This variant has not been reported in the literature in individuals with ASPM-related conditions. Algorithms developed to predict the effect of missense changes on protein structure and function (SIFT, PolyPhen-2, Align-GVGD) all suggest that this variant is likely to be tolerated, but these predictions have not been confirmed by published functional studies and their clinical significance is uncertain. In summary, the available evidence is currently insufficient to determine the role of this variant in disease. Therefore, it has been classified as a Variant of Uncertain Significance.